The following is an entry in ClinVar:

ClinVar aggregate classification (germline): Uncertain significance (1 of 4 stars; one submission).

Conditions:
Ullrich congenital muscular dystrophy 2 (UCMD2). Identifiers: Orphanet 75840, MedGen C4225314, MONDO:0014654, OMIM 616470.
Bethlem myopathy 2 (BTHLM2). Identifiers: Orphanet 536516, Orphanet 610, MedGen C4225313, MONDO:0034022, OMIM 616471.

Submission:

Labcorp Genetics (formerly Invitae), Labcorp
Classification: Uncertain significance for Bethlem myopathy 2; Ullrich congenital muscular dystrophy 2. Last evaluated: 2019-08-27. Review status: criteria provided, single submitter. Criteria: Invitae Variant Classification Sherloc (09022015). Collection method: clinical testing. Allele origin: germline.
Comment: This sequence change replaces serine with asparagine at codon 329 of the COL12A1 protein (p.Ser329Asn). The serine residue is highly conserved and there is a small physicochemical difference between serine and asparagine. This variant is not present in population databases (ExAC no frequency). This variant has not been reported in the literature in individuals with COL12A1-related conditions. Algorithms developed to predict the effect of missense changes on protein structure and function are either unavailable or do not agree on the potential impact of this missense change (SIFT: "Deleterious"; PolyPhen-2: "Probably Damaging"; Align-GVGD: "Class C0"). In summary, the available evidence is currently insufficient to determine the role of this variant in disease. Therefore, it has been classified as a Variant of Uncertain Significance.

NM_004370.6(COL12A1):c.986G>A (p.Ser329Asn)

Gene: COL12A1 (collagen type XII alpha 1 chain; minus strand). Cytogenetic location: 6q13.
Variant type: single nucleotide variant.
Coding change: c.986G>A on transcript NM_004370.6 (MANE Select); coding-DNA position 986, G replaced by A.
Protein change: p.Ser329Asn; replaces serine 329 with asparagine.
Molecular consequence: missense variant. On other transcripts: intron variant (1).
Genome position (GRCh38, 1-based): chr6:75,188,373, C>T on the plus strand (G>A on the coding strand, the complement: COL12A1 is on the minus strand). VCF-style: chr6-75188373-C-T. GRCh37 (hg19) VCF-style: chr6-75898089-C-T.
Other names: c.73+14347G>A (NM_080645.3); short protein forms S329N.
Identifiers: ClinVar variation 959573 (VCV000959573.1), dbSNP rs1769743212, ClinGen allele CA364727406.